The following is an entry in ClinVar:

ClinVar aggregate classification (germline): Conflicting classifications of pathogenicity. Review status: criteria provided, conflicting classifications (1 of 4 stars). 4 submissions from 3 submitters: Uncertain significance (3); Likely benign (1). Last evaluated 2025-12-14.

Conditions:
Cardiovascular phenotype. Identifiers: MedGen CN230736.
Hereditary cancer-predisposing syndrome. Also called: Hereditary Cancer Syndrome; Neoplastic Syndromes, Hereditary; Tumor predisposition; Hereditary neoplastic syndrome. Identifiers: Orphanet 140162, MedGen C0027672, MeSH D009386, MONDO:0015356.
Neurofibromatosis, type 1 (NF1). Also called: Neurofibromatosis, type I; VON RECKLINGHAUSEN DISEASE; NEUROFIBROMATOSIS, TYPE I, SOMATIC; Peripheral type neurofibromatosis. Identifiers: Orphanet 636, MedGen C0027831, MONDO:0018975, OMIM 162200. Disease mechanism: loss of function.

Allele frequency attached by ClinVar (database versions not stated): gnomAD exomes below 0.00001.
gnomAD v4.1: 1 of 1,613,652 alleles (0.000062%); highest among the groups gnomAD compares: Non-Finnish European, 0.000085%; no homozygotes.

Submissions (4):

Labcorp Genetics (formerly Invitae), Labcorp
Classification: Likely benign for Neurofibromatosis, type 1. Last evaluated: 2025-12-14. Review status: criteria provided, single submitter. Criteria: Invitae Variant Classification Sherloc (09022015). Collection method: clinical testing. Allele origin: germline.

Genome-Nilou Lab
Classification: Uncertain significance for Neurofibromatosis, type 1. Last evaluated: 2022-03-15. Review status: criteria provided, single submitter. Criteria: ACMG Guidelines, 2015. Collection method: clinical testing. Allele origin: germline. Affected: no.

Ambry Genetics
Classification: Uncertain significance for Cardiovascular phenotype; Hereditary cancer-predisposing syndrome. Last evaluated: 2021-03-31. Review status: criteria provided, single submitter. Criteria: Ambry Variant Classification Scheme 2023. Collection method: clinical testing. Allele origin: germline.

Ambry Genetics
Classification: Uncertain significance for Hereditary cancer-predisposing syndrome. Last evaluated: 2015-06-02. Review status: criteria provided, single submitter. Criteria: Ambry Autosomal Dominant and X-Linked criteria (10/2015). Collection method: clinical testing. Allele origin: germline. Observed: 1 variant allele.
Comment: The p.D2545E variant (also known as c.7635T>A), located in coding exon 52 of the NF1 gene, results from a T to A substitution at nucleotide position 7635. The aspartic acid at codon 2545 is replaced by glutamic acid, an amino acid with highly similar properties. This variant was not reported in population based cohorts in the following databases: Database of Single Nucleotide Polymorphisms (dbSNP), NHLBI Exome Sequencing Project (ESP), and 1000 Genomes Project. In the ESP, this variant was not observed in 6503 samples (13006 alleles) with coverage at this position. To date, this alteration has been detected with an allele frequency of approximately 0.002% (greater than 55000alleles tested) in our clinical cohort.This amino acid position is highly conserved in available vertebrate species. In addition, this alteration is predicted to be tolerated by in silico analysis.Since supporting evidence is limited at this time, the clinical significance of p.D2545Eremains unclear.

NM_001042492.3(NF1):c.7635T>A (p.Asp2545Glu)

Gene: NF1 (neurofibromin 1; plus strand). Cytogenetic location: 17q11.2.
Variant type: single nucleotide variant.
Coding change: c.7635T>A on transcript NM_001042492.3 (MANE Select); coding-DNA position 7635, T replaced by A.
Protein change: p.Asp2545Glu; replaces aspartic acid 2545 with glutamic acid.
Molecular consequence: missense variant.
Genome position (GRCh38, 1-based): chr17:31,356,479, T>A. VCF-style: chr17-31356479-T-A. GRCh37 (hg19) VCF-style: chr17-29683497-T-A.
Other names: c.7572T>A, p.Asp2524Glu (NM_000267.4); short protein forms D2524E, D2545E.
Identifiers: ClinVar variation 232063 (VCV000232063.14), dbSNP rs876659530, ClinGen allele CA10580416.
Genomic context (GRCh38, chr17:31,356,479, plus strand): 5'-TGTAGTTAATGAACTTGCATATTCTTAACTTTTGTTTATAGGAACAAGGAAAAGTTTTGA[T>A]CACTTGATATCAGACACAAAGGCTCCTAAAAGGCAAGAAATGGAATCAGGGATCACAACA-3'
Protein context (NP_001035957.1, residues 2535-2555): KKLLGTRKSF[Asp2545Glu]HLISDTKAPK